The following is an entry in ClinVar:

ClinVar aggregate classification (germline): Likely benign. Review status: criteria provided, multiple submitters, no conflicts (2 of 4 stars). 2 submissions from 2 submitters: Likely benign (2). Last evaluated 2025-09-28.

Conditions:
Arrhythmogenic right ventricular cardiomyopathy (ARVD). Also called: Cardiomyopathy, ARVC; Arrhythmogenic right ventricular dysplasia; Arrhythmogenic cardiomyopathy; Arrhythmogenic Right Ventricular Cardiomyopathy (ARVC). Identifiers: Orphanet 247, MedGen C0349788, MeSH D019571, MONDO:0016587. Disease mechanism: loss of function. Inheritance: Various modes of inheritance.
Arrhythmogenic right ventricular dysplasia 9 (ARVD9). Also called: Arrhythmogenic Right Ventricular Dysplasia/Cardiomyopathy 9; ARRHYTHMOGENIC RIGHT VENTRICULAR DYSPLASIA, FAMILIAL, 9. Identifiers: MedGen C1836906, MONDO:0012180, OMIM 609040.

Allele frequency attached by ClinVar (database versions not stated): ExAC 0.00001; gnomAD 0.00001.
gnomAD v4.1: 7 of 1,613,828 alleles (0.00043%); highest among the groups gnomAD compares: East Asian, 0.0022%; no homozygotes.

Submissions (2):

Labcorp Genetics (formerly Invitae), Labcorp
Classification: Likely benign for Arrhythmogenic right ventricular dysplasia 9. Last evaluated: 2025-09-28. Review status: criteria provided, single submitter. Criteria: Invitae Variant Classification Sherloc (09022015). Collection method: clinical testing. Allele origin: germline.

All of Us Research Program, National Institutes of Health
Classification: Likely benign for Arrhythmogenic right ventricular cardiomyopathy. Last evaluated: 2023-07-10. Review status: criteria provided, single submitter. Criteria: ACMG Guidelines, 2015. Collection method: clinical testing. Allele origin: germline. Inheritance: Autosomal dominant inheritance. Observed: 2 variant alleles, 2 heterozygotes.
Comment: This study involves interpretation of variants in research participants for the purpose of population health screening. Participant phenotype was not available at the time of variant classification. Additional details can be found in publication PMID: 35346344, PMCID: PMC8962531

NM_001005242.3(PKP2):c.492C>T (p.Ser164=)

Gene: PKP2 (plakophilin 2; minus strand). Cytogenetic location: 12p11.21.
Variant type: single nucleotide variant.
Coding change: c.492C>T on transcript NM_001005242.3 (MANE Select); coding-DNA position 492, C replaced by T.
Protein change: p.Ser164=; no amino-acid change (serine 164 retained).
Molecular consequence: synonymous variant.
Genome position (GRCh38, 1-based): chr12:32,878,388, G>A on the plus strand (C>T on the coding strand, the complement: PKP2 is on the minus strand). VCF-style: chr12-32878388-G-A. GRCh37 (hg19) VCF-style: chr12-33031322-G-A.
Other names: c.492C>T, p.Ser164= (NM_004572.4).
Identifiers: ClinVar variation 1113422 (VCV001113422.10), dbSNP rs747582030, ClinGen allele CA037681.